The following is an entry in ClinVar:

NM_031885.5(BBS2):c.1814C>G (p.Ser605Ter)

Gene: BBS2 (Bardet-Biedl syndrome 2; minus strand). Cytogenetic location: 16q13.
Variant type: single nucleotide variant.
Coding change: c.1814C>G on transcript NM_031885.5 (MANE Select); coding-DNA position 1814, C replaced by G.
Protein change: p.Ser605Ter; replaces serine 605 with a stop codon.
Molecular consequence: nonsense. On other transcripts: non-coding transcript variant (5).
Genome position (GRCh38, 1-based): chr16:56,497,063, G>C on the plus strand (C>G on the coding strand, the complement: BBS2 is on the minus strand). VCF-style: chr16-56497063-G-C. GRCh37 (hg19) VCF-style: chr16-56530975-G-C.
Other names: c.1814C>G, p.Ser605Ter (NM_001377456.1); short protein forms S605*.
Identifiers: ClinVar variation 553335 (VCV000553335.16), dbSNP rs201063733, ClinGen allele CA281478600.

ClinVar aggregate classification (germline): Pathogenic. Review status: criteria provided, multiple submitters, no conflicts (2 of 4 stars). 8 submissions from 8 submitters: Pathogenic (6). 2 of the submissions do not count toward it. Last evaluated 2026-07-14.

Conditions:
Retinitis pigmentosa 74 (RP74). Identifiers: Orphanet 791, MedGen C4225281, MONDO:0014692, OMIM 616562.
Bardet-Biedl syndrome 2 (BBS2). Identifiers: Orphanet 110, MedGen C2936863, MONDO:0014432, OMIM 615981.
Bardet-Biedl syndrome (BBS). Identifiers: Orphanet 110, MedGen C0752166, MONDO:0015229.
BBS2-related disorder. Also called: BBS2-related disorders; BBS2-related condition. Identifiers: MedGen CN239228.

Allele frequency attached by ClinVar (database versions not stated): gnomAD 0.00001; gnomAD exomes 0.00001; TOPMed 0.00002; 1000 Genomes Project 0.00020; 1000 Genomes Project 30x 0.00031.

Submissions (8):

Genetics Laboratory, Great Ormond Street Hospital NHS Foundation Trust, North Thames Genomic Laboratory Hub
Classification: Pathogenic for Bardet Biedl syndrome. Last evaluated: 2026-07-14. Review status: criteria provided, single submitter. Criteria: ACGS Best Practice Guidelines for Variant Classification in Rare Disease 2024 v1.2. Collection method: clinical testing. Allele origin: germline. Affected: yes.
Comment: PM2_moderate, PVS1_very-strong, PM3_moderate

PreventionGenetics, part of Exact Sciences
Classification: Pathogenic for BBS2-related condition. Last evaluated: 2025-11-18. Review status: criteria provided, single submitter. Criteria: ACMG Guidelines, 2015. Collection method: clinical testing. Allele origin: germline.
Comment: The BBS2 c.1814C>G variant is predicted to result in premature protein termination (p.Ser605*). This variant has been reported in patients with BBS2-related disease (for example, Xu et al. 2015. PubMed ID: 25999675; Forsythe et al. 2017. PubMed ID: 27659767). This variant is reported in 0.0054% of alleles in individuals of East Asian descent in gnomAD. Nonsense variants in BBS2 are expected to be pathogenic. This variant is interpreted as pathogenic.

Natera, Inc.
Classification: Pathogenic for Bardet-Biedl syndrome type 2. Last evaluated: 2025-01-16. Review status: criteria provided, single submitter. Criteria: Natera Variant Classification Schema (03/2026). Collection method: clinical testing. Allele origin: germline.
Comment: The c.1814C>G variant in BBS2 is a nonsense variant predicted to introduce a stop codon at amino acid 605. This variant is expected to result in nonsense mediated decay, truncation, or a dysfunctional protein product. This variant is rare in the general population with a frequency below the threshold expected for the associated phenotype(s). This variant has been observed in one or more individuals affected with the associated recessive disease, as either homozygous or compound heterozygous with a second variant (PMID: 38671463). Given the available evidence, this variant is classified as Pathogenic.

Labcorp Genetics (formerly Invitae), Labcorp
Classification: Pathogenic for Bardet-Biedl syndrome. Last evaluated: 2023-08-11. Review status: criteria provided, single submitter. Criteria: Invitae Variant Classification Sherloc (09022015). Collection method: clinical testing. Allele origin: germline.
Comment: For these reasons, this variant has been classified as Pathogenic. ClinVar contains an entry for this variant (Variation ID: 553335). This premature translational stop signal has been observed in individual(s) with BBS2-related conditions (PMID: 25999675, 27659767). This variant is present in population databases (rs201063733, gnomAD 0.003%). This sequence change creates a premature translational stop signal (p.Ser605*) in the BBS2 gene. It is expected to result in an absent or disrupted protein product. Loss-of-function variants in BBS2 are known to be pathogenic (PMID: 11285252, 20177705, 24608809, 26518167).

Baylor Genetics
Classification: Pathogenic for Bardet-Biedl syndrome 2. Last evaluated: 2023-05-13. Review status: criteria provided, single submitter. Criteria: ACMG Guidelines, 2015. Collection method: clinical testing. Allele origin: unknown.

Fulgent Genetics
Classification: Pathogenic for Bardet-Biedl syndrome 2; Retinitis pigmentosa 74. Last evaluated: 2021-12-15. Review status: criteria provided, single submitter. Criteria: ACMG Guidelines, 2015. Collection method: clinical testing. Allele origin: unknown.

Counsyl
Classification: Likely pathogenic for Bardet-Biedl syndrome 2. Last evaluated: 2017-08-15. Review status: no assertion criteria provided. Collection method: clinical testing. Allele origin: unknown. Not counted in ClinVar's aggregate classification.

Department of Pediatrics, National Cheng-Kung University Hospital
Classification: Pathogenic for Bardet-Biedl syndrome 2. Review status: no assertion criteria provided. Collection method: clinical testing. Allele origin: germline. Inheritance: Autosomal recessive inheritance. Affected: yes. Not counted in ClinVar's aggregate classification.

Literature cited by the submitters: PubMed 38671463 (cited by Natera, Inc.); PubMed 25999675 (cited by Labcorp Genetics (formerly Invitae), Labcorp and Counsyl); PubMed 27659767 (cited by Labcorp Genetics (formerly Invitae), Labcorp and Counsyl); PubMed 11285252 (cited by Labcorp Genetics (formerly Invitae), Labcorp); PubMed 20177705 (cited by Labcorp Genetics (formerly Invitae), Labcorp); PubMed 24608809 (cited by Labcorp Genetics (formerly Invitae), Labcorp); PubMed 26518167 (cited by Labcorp Genetics (formerly Invitae), Labcorp).